The following is an entry in ClinVar:

ClinVar aggregate classification (germline): Uncertain significance (1 of 4 stars; one submission).

gnomAD v4.1: 2 of 1,604,154 alleles (0.00012%); highest among the groups gnomAD compares: African/African-American, 0.0027%; no homozygotes.

Submission:

Ambry Genetics
Classification: Uncertain significance. Last evaluated: 2025-03-18. Review status: criteria provided, single submitter. Criteria: Ambry Variant Classification Scheme 2023. Collection method: clinical testing. Allele origin: germline.
Comment: The p.S226T variant (also known as c.676T>A), located in coding exon 7 of the NEBL gene, results from a T to A substitution at nucleotide position 676. The serine at codon 226 is replaced by threonine, an amino acid with similar properties. This amino acid position is conserved. In addition, this alteration is predicted to be tolerated by in silico analysis. Based on the available evidence, the clinical significance of this variant remains unclear.

NM_006393.3(NEBL):c.676T>A (p.Ser226Thr)

Gene: NEBL (nebulette; minus strand). Cytogenetic location: 10p12.31.
Variant type: single nucleotide variant.
Coding change: c.676T>A on transcript NM_006393.3 (MANE Select); coding-DNA position 676, T replaced by A.
Protein change: p.Ser226Thr; replaces serine 226 with threonine.
Molecular consequence: missense variant. On other transcripts: intron variant (9).
Genome position (GRCh38, 1-based): chr10:20,868,672, A>T on the plus strand (T>A on the coding strand, the complement: NEBL is on the minus strand). VCF-style: chr10-20868672-A-T. GRCh37 (hg19) VCF-style: chr10-21157601-A-T.
Other names: c.250-55732T>A (NM_001377326.1, NM_001377327.1, NM_001377328.1); c.358-55732T>A (NM_213569.2, NM_001173484.2, NM_001377322.1); c.301-55732T>A (NM_001377324.1); c.292-55732T>A (NM_001377325.1); c.310-55732T>A (NM_001377323.1); short protein forms S226T.
Identifiers: ClinVar variation 3918541 (VCV003918541.1).